The following is an entry in ClinVar:

ClinVar aggregate classification (germline): Likely benign. Review status: criteria provided, multiple submitters, no conflicts (2 of 4 stars). 3 submissions from 3 submitters: Likely benign (3). Last evaluated 2025-04-24.

Conditions:
BBS2-related disorder. Also called: BBS2-related condition; BBS2-related disorders. Identifiers: MedGen CN239228.
Bardet-Biedl syndrome (BBS). Identifiers: Orphanet 110, MedGen C0752166, MONDO:0015229.

Allele frequency attached by ClinVar (database versions not stated): ExAC 0.00004; gnomAD 0.00004; 1000 Genomes Project 0.00020; 1000 Genomes Project 30x 0.00031; gnomAD exomes 0.00001 and 0.00002; TOPMed 0.00002.
gnomAD v4.1: 19 of 1,614,124 alleles (0.0012%); highest among the groups gnomAD compares: African/African-American, 0.008%; no homozygotes.

Submissions (3):

PreventionGenetics, part of Exact Sciences
Classification: Likely benign for BBS2-related condition. Last evaluated: 2025-04-24. Review status: criteria provided, single submitter. Criteria: ACMG Guidelines, 2015. Collection method: clinical testing. Allele origin: germline.
Comment: This variant is classified as likely benign based on ACMG/AMP sequence variant interpretation guidelines (Richards et al. 2015 PMID: 25741868, with internal and published modifications).

Labcorp Genetics (formerly Invitae), Labcorp
Classification: Likely benign for Bardet-Biedl syndrome. Last evaluated: 2024-03-16. Review status: criteria provided, single submitter. Criteria: Invitae Variant Classification Sherloc (09022015). Collection method: clinical testing. Allele origin: germline.

Blueprint Genetics
Classification: Likely benign. Last evaluated: 2017-06-21. Review status: criteria provided, single submitter. Criteria: ACMG Guidelines, 2015. Collection method: clinical testing. Allele origin: germline.

NM_031885.5(BBS2):c.531A>G (p.Lys177=)

Gene: BBS2 (Bardet-Biedl syndrome 2; minus strand). Cytogenetic location: 16q13.
Variant type: single nucleotide variant.
Coding change: c.531A>G on transcript NM_031885.5 (MANE Select); coding-DNA position 531, A replaced by G.
Protein change: p.Lys177=; no amino-acid change (lysine 177 retained).
Molecular consequence: synonymous variant. On other transcripts: non-coding transcript variant (5).
Genome position (GRCh38, 1-based): chr16:56,510,862, T>C on the plus strand (A>G on the coding strand, the complement: BBS2 is on the minus strand). VCF-style: chr16-56510862-T-C. GRCh37 (hg19) VCF-style: chr16-56544774-T-C.
Other names: c.531A>G, p.Lys177= (NM_001377456.1); c.531A>G (NM_031885.3).
Identifiers: ClinVar variation 1099988 (VCV001099988.11), dbSNP rs558360994, ClinGen allele CA8066021.